The following is an entry in ClinVar:

NM_138927.4(SON):c.1453G>A (p.Val485Met)

Genes: MIR6501 (microRNA 6501; plus strand), SON (SON DNA and RNA binding protein; plus strand). Cytogenetic location: 21q22.11.
Variant type: single nucleotide variant.
Coding change: c.1453G>A on transcript NM_138927.4 (MANE Select); coding-DNA position 1453, G replaced by A.
Protein change: p.Val485Met; replaces valine 485 with methionine.
Molecular consequence: missense variant. On other transcripts: non-coding transcript variant (2), intron variant (1).
Genome position (GRCh38, 1-based): chr21:33,550,684, G>A. VCF-style: chr21-33550684-G-A. GRCh37 (hg19) VCF-style: chr21-34922990-G-A.
Other names: c.1453G>A, p.Val485Met (NM_001291411.2, NM_032195.3); c.244+4305G>A (NM_001291412.3); short protein forms V485M.
Identifiers: ClinVar variation 1698096 (VCV001698096.2), dbSNP rs2085752473, ClinGen allele CA410153941.

ClinVar aggregate classification (germline): Uncertain significance (1 of 4 stars; one submission).

Allele frequency attached by ClinVar (database versions not stated): TOPMed below 0.00001; gnomAD 0.00001.
gnomAD v4.1: 2 of 1,613,996 alleles (0.00012%); highest among the groups gnomAD compares: African/African-American, 0.0013%; no homozygotes.

Submission:

GeneDx
Classification: Uncertain significance. Last evaluated: 2022-01-11. Review status: criteria provided, single submitter. Criteria: GeneDx Variant Classification Process June 2021. Collection method: clinical testing. Allele origin: germline. Affected: yes.
Comment: Not observed at significant frequency in large population cohorts (gnomAD); In silico analysis supports that this missense variant does not alter protein structure/function; Has not been previously published as pathogenic or benign to our knowledge